The following is an entry in ClinVar:

ClinVar aggregate classification (germline): Uncertain significance (1 of 4 stars; one submission).

Submission:

Labcorp Genetics (formerly Invitae), Labcorp
Classification: Uncertain significance. Last evaluated: 2025-02-03. Review status: criteria provided, single submitter. Criteria: Invitae Variant Classification Sherloc (09022015). Collection method: clinical testing. Allele origin: germline.
Comment: This sequence change replaces serine, which is neutral and polar, with threonine, which is neutral and polar, at codon 612 of the PCDH15 protein (p.Ser612Thr). This variant is not present in population databases (gnomAD no frequency). This variant has not been reported in the literature in individuals affected with PCDH15-related conditions. ClinVar contains an entry for this variant (Variation ID: 1488324). Invitae Evidence Modeling of protein sequence and biophysical properties (such as structural, functional, and spatial information, amino acid conservation, physicochemical variation, residue mobility, and thermodynamic stability) has been performed for this missense variant. However, the output from this modeling did not meet the statistical confidence thresholds required to predict the impact of this variant on PCDH15 protein function. In summary, the available evidence is currently insufficient to determine the role of this variant in disease. Therefore, it has been classified as a Variant of Uncertain Significance.

NM_001384140.1(PCDH15):c.1835G>C (p.Ser612Thr)

Gene: PCDH15 (protocadherin related 15; minus strand). Cytogenetic location: 10q21.1.
Variant type: single nucleotide variant.
Coding change: c.1835G>C on transcript NM_001384140.1 (MANE Select); coding-DNA position 1835, G replaced by C.
Protein change: p.Ser612Thr; replaces serine 612 with threonine.
Molecular consequence: missense variant. On other transcripts: intron variant (1).
Genome position (GRCh38, 1-based): chr10:54,132,957, C>G on the plus strand (G>C on the coding strand, the complement: PCDH15 is on the minus strand). VCF-style: chr10-54132957-C-G. GRCh37 (hg19) VCF-style: chr10-55892717-C-G.
Other names: c.1850G>C, p.Ser617Thr (NM_001142763.2, NM_001142771.2); c.1835G>C, p.Ser612Thr (NM_001142764.2, NM_001142766.2, NM_001142770.3 and 5 more transcripts); c.1724G>C, p.Ser575Thr (NM_001142767.2); c.1769G>C, p.Ser590Thr (NM_001142768.2, NM_001142773.2, NM_001354404.2); c.1871G>C, p.Ser624Thr (NM_001142769.4); c.1856G>C, p.Ser619Thr (NM_001354411.2); c.1784+20143G>C (NM_001142765.2); short protein forms S575T, S617T, S619T, S590T, S612T, S624T.
Identifiers: ClinVar variation 1488324 (VCV001488324.8), dbSNP rs2133061458, ClinGen allele CA376515127.